The following is an entry in ClinVar:

NM_031885.5(BBS2):c.51A>C (p.Arg17=)

Gene: BBS2 (Bardet-Biedl syndrome 2; minus strand). Cytogenetic location: 16q13.
Variant type: single nucleotide variant.
Coding change: c.51A>C on transcript NM_031885.5 (MANE Select); coding-DNA position 51, A replaced by C.
Protein change: p.Arg17=; no amino-acid change (arginine 17 retained).
Molecular consequence: synonymous variant. On other transcripts: non-coding transcript variant (5).
Genome position (GRCh38, 1-based): chr16:56,519,812, T>G on the plus strand (A>C on the coding strand, the complement: BBS2 is on the minus strand). VCF-style: chr16-56519812-T-G. GRCh37 (hg19) VCF-style: chr16-56553724-T-G.
Other names: c.51A>C, p.Arg17= (NM_001377456.1).
Identifiers: ClinVar variation 3352389 (VCV003352389.1).

ClinVar aggregate classification (germline): Likely benign (0 of 4 stars; one submission).

Conditions:
BBS2-related disorder. Also called: BBS2-related disorders; BBS2-related condition. Identifiers: MedGen CN239228.

gnomAD v4.1: 1 of 1,613,848 alleles (0.000062%); highest among the groups gnomAD compares: Non-Finnish European, 0.000085%; no homozygotes.

Submission:

PreventionGenetics, part of Exact Sciences
Classification: Likely benign for BBS2-related condition. Last evaluated: 2021-08-20. Review status: no assertion criteria provided. Collection method: clinical testing. Allele origin: germline.
Comment: This variant is classified as likely benign based on ACMG/AMP sequence variant interpretation guidelines (Richards et al. 2015 PMID: 25741868, with internal and published modifications).